The following is an entry in ClinVar:

NM_001374736.1(DST):c.3760G>A (p.Val1254Ile)

Gene: DST (dystonin; minus strand). Cytogenetic location: 6p12.1.
Variant type: single nucleotide variant.
Coding change: c.3760G>A on transcript NM_001374736.1 (MANE Select); coding-DNA position 3760, G replaced by A.
Protein change: p.Val1254Ile; replaces valine 1254 with isoleucine.
Molecular consequence: missense variant.
Genome position (GRCh38, 1-based): chr6:56,632,899, C>T on the plus strand (G>A on the coding strand, the complement: DST is on the minus strand). VCF-style: chr6-56632899-C-T. GRCh37 (hg19) VCF-style: chr6-56497697-C-T.
Other names: c.3661G>A, p.Val1221Ile (NM_001144769.5); c.3247G>A, p.Val1083Ile (NM_001144770.2); c.3760G>A, p.Val1254Ile (NM_001374722.1); c.3127G>A, p.Val1043Ile (NM_001374729.1, NM_001374730.1, NM_001386100.1 and 1 more transcripts); c.3787G>A, p.Val1263Ile (NM_001374734.1); c.2149G>A, p.Val717Ile (NM_001723.7, NM_015548.5); short protein forms V1254I, V717I, V1043I, V1083I, V1221I, V1263I.
Identifiers: ClinVar variation 1944326 (VCV001944326.5), dbSNP rs943929042, ClinGen allele CA139217089.

ClinVar aggregate classification (germline): Uncertain significance (1 of 4 stars; one submission).

Conditions:
Hereditary sensory and autonomic neuropathy type 6. Also called: Neuropathy, hereditary sensory and autonomic, type VI; HSAN VI. Identifiers: Orphanet 314381, MedGen C3539003, MONDO:0013839, OMIM 614653.
Epidermolysis bullosa simplex 3, localized or generalized intermediate, with BP230 deficiency (EBS3). Also called: Epidermolysis bullosa simplex due to BP230 deficiency; Epidermolysis bullosa simplex, autosomal recessive 2. Identifiers: Orphanet 412181, MedGen C3809470, MONDO:0014180, OMIM 615425.

Submission:

Labcorp Genetics (formerly Invitae), Labcorp
Classification: Uncertain significance for Epidermolysis bullosa simplex 3, localized or generalized intermediate, with BP230 deficiency; Hereditary sensory and autonomic neuropathy type 6. Last evaluated: 2022-02-20. Review status: criteria provided, single submitter. Criteria: Invitae Variant Classification Sherloc (09022015). Collection method: clinical testing. Allele origin: germline.
Comment: This variant is not present in population databases (gnomAD no frequency). This variant has not been reported in the literature in individuals affected with DST-related conditions. Algorithms developed to predict the effect of sequence changes on RNA splicing suggest that this variant may disrupt the consensus splice site. In summary, the available evidence is currently insufficient to determine the role of this variant in disease. Therefore, it has been classified as a Variant of Uncertain Significance. Algorithms developed to predict the effect of missense changes on protein structure and function (SIFT, PolyPhen-2, Align-GVGD) all suggest that this variant is likely to be tolerated. This sequence change replaces valine, which is neutral and non-polar, with isoleucine, which is neutral and non-polar, at codon 717 of the DST protein (p.Val717Ile).